The following is an entry in ClinVar:

ClinVar aggregate classification (germline): Uncertain significance. Review status: criteria provided, multiple submitters, no conflicts (2 of 4 stars). 2 submissions from 2 submitters: Uncertain significance (2). Last evaluated 2025-06-08.

Conditions:
Hereditary cancer-predisposing syndrome. Also called: Neoplastic Syndromes, Hereditary; Hereditary Cancer Syndrome; Tumor predisposition; Hereditary neoplastic syndrome. Identifiers: Orphanet 140162, MedGen C0027672, MeSH D009386, MONDO:0015356.

Submissions (2):

Labcorp Genetics (formerly Invitae), Labcorp
Classification: Uncertain significance. Last evaluated: 2025-06-08. Review status: criteria provided, single submitter. Criteria: Invitae Variant Classification Sherloc (09022015). Collection method: clinical testing. Allele origin: germline.
Comment: This sequence change replaces isoleucine, which is neutral and non-polar, with valine, which is neutral and non-polar, at codon 508 of the CTNNA1 protein (p.Ile508Val). This variant is not present in population databases (gnomAD no frequency). This variant has not been reported in the literature in individuals affected with CTNNA1-related conditions. ClinVar contains an entry for this variant (Variation ID: 1377691). Invitae Evidence Modeling of protein sequence and biophysical properties (such as structural, functional, and spatial information, amino acid conservation, physicochemical variation, residue mobility, and thermodynamic stability) indicates that this missense variant is not expected to disrupt CTNNA1 protein function with a negative predictive value of 80%. In summary, the available evidence is currently insufficient to determine the role of this variant in disease. Therefore, it has been classified as a Variant of Uncertain Significance.

Ambry Genetics
Classification: Uncertain significance for Hereditary cancer-predisposing syndrome. Last evaluated: 2023-11-18. Review status: criteria provided, single submitter. Criteria: Ambry Variant Classification Scheme 2023. Collection method: clinical testing. Allele origin: germline.
Comment: The p.I508V variant (also known as c.1522A>G), located in coding exon 10 of the CTNNA1 gene, results from an A to G substitution at nucleotide position 1522. The isoleucine at codon 508 is replaced by valine, an amino acid with highly similar properties. This amino acid position is highly conserved in available vertebrate species. In addition, this alteration is predicted to be tolerated by in silico analysis. Since supporting evidence is limited at this time, the clinical significance of this alteration remains unclear.

NM_001903.5(CTNNA1):c.1522A>G (p.Ile508Val)

Gene: CTNNA1 (catenin alpha 1; plus strand). Cytogenetic location: 5q31.2.
Variant type: single nucleotide variant.
Coding change: c.1522A>G on transcript NM_001903.5 (MANE Select); coding-DNA position 1522, A replaced by G.
Protein change: p.Ile508Val; replaces isoleucine 508 with valine.
Molecular consequence: missense variant.
Genome position (GRCh38, 1-based): chr5:138,917,874, A>G. VCF-style: chr5-138917874-A-G. GRCh37 (hg19) VCF-style: chr5-138253563-A-G.
Other names: c.1522A>G, p.Ile508Val (NM_001290307.3, NM_001323982.2, NM_001323983.1 and 2 more transcripts); c.1213A>G, p.Ile405Val (NM_001290309.3); c.1153A>G, p.Ile385Val (NM_001290310.3); c.412A>G, p.Ile138Val (NM_001290312.1, NM_001323987.1, NM_001323988.1 and 17 more transcripts); c.1429A>G, p.Ile477Val (NM_001323986.2); c.73A>G, p.Ile25Val (NM_001324006.1, NM_001324007.1, NM_001324008.1 and 2 more transcripts); c.319A>G, p.Ile107Val (NM_001324011.1); c.169A>G, p.Ile57Val (NM_001324012.1, NM_001324013.1); short protein forms I477V, I508V, I405V, I107V, I138V, I385V, I25V, I57V.
Identifiers: ClinVar variation 1377691 (VCV001377691.8), dbSNP rs1762131844, ClinGen allele CA361137374.